The following is an entry in ClinVar:

NM_001377142.1(PLCB4):c.1602C>T (p.Ser534=)

Gene: PLCB4 (phospholipase C beta 4; plus strand). Cytogenetic location: 20p12.2.
Variant type: single nucleotide variant.
Coding change: c.1602C>T on transcript NM_001377142.1 (MANE Select); coding-DNA position 1602, C replaced by T.
Protein change: p.Ser534=; no amino-acid change (serine 534 retained).
Molecular consequence: synonymous variant.
Genome position (GRCh38, 1-based): chr20:9,401,581, C>T. VCF-style: chr20-9401581-C-T. GRCh37 (hg19) VCF-style: chr20-9382228-C-T.
Other names: c.1602C>T, p.Ser534= (NM_000933.4, NM_001172646.2, NM_001377134.2 and 4 more transcripts).
Identifiers: ClinVar variation 3050807 (VCV003050807.3), dbSNP rs201929769, ClinGen allele CA9761137.

ClinVar aggregate classification (germline): Likely benign. Review status: criteria provided, single submitter (1 of 4 stars). 2 submissions from 2 submitters: Likely benign (1). 1 of the submissions does not count toward it. Last evaluated 2024-05-28.

Conditions:
PLCB4-related disorder. Also called: PLCB4-related condition.

Allele frequency attached by ClinVar (database versions not stated): TOPMed 0.00007; gnomAD 0.00009; ExAC 0.00010; ESP Exome Variant Server 0.00015; gnomAD exomes 0.00016.
gnomAD v4.1: 241 of 1,608,150 alleles (0.015%); highest among the groups gnomAD compares: Non-Finnish European, 0.02%; no homozygotes.

Submissions (2):

Blueprint Genetics
Classification: Likely benign. Last evaluated: 2024-05-28. Review status: criteria provided, single submitter. Criteria: ACMG Guidelines, 2015. Collection method: clinical testing. Allele origin: germline.

PreventionGenetics, part of Exact Sciences
Classification: Likely benign for PLCB4-related condition. Last evaluated: 2019-07-18. Review status: no assertion criteria provided. Collection method: clinical testing. Allele origin: germline. Not counted in ClinVar's aggregate classification.
Comment: This variant is classified as likely benign based on ACMG/AMP sequence variant interpretation guidelines (Richards et al. 2015 PMID: 25741868, with internal and published modifications).